The following is an entry in ClinVar:

ClinVar aggregate classification (germline): Uncertain significance (1 of 4 stars; one submission).

Conditions:
Hereditary cancer-predisposing syndrome. Also called: Hereditary Cancer Syndrome; Hereditary neoplastic syndrome; Neoplastic Syndromes, Hereditary; Tumor predisposition. Identifiers: Orphanet 140162, MedGen C0027672, MeSH D009386, MONDO:0015356.

Submission:

Sema4
Classification: Uncertain significance for Hereditary cancer-predisposing syndrome. Last evaluated: 2021-05-18. Review status: criteria provided, single submitter. Criteria: Sema4 Curation Guidelines. Collection method: curation. Allele origin: germline.
Comment: The POLD1 c.328_329insG (p.P110RfsX24) variant has not been reported in the literature to our knowledge. This variant has not been observed in the large and broad cohorts in the Genome Aggregation Database (PMID: 32461654). This variant has not been reported in ClinVar. In silico tools suggest the impact of the variant on protein function is deleterious, though these predictions have not been confirmed by functional studies. Additionally, POLD1 disease mechanism is a gain of function only. The overall evidence is insufficient to meet ACMG/AMP criteria for classifying it as benign or pathogenic. In summary, the clinical significance of this variant is currently uncertain.

NM_002691.4(POLD1):c.328_329insG (p.Pro110fs)

Gene: POLD1 (DNA polymerase delta 1, catalytic subunit; plus strand). Cytogenetic location: 19q13.33.
Variant type: Insertion.
Coding change: c.328_329insG on transcript NM_002691.4 (MANE Select); coding-DNA positions 328 to 329, G inserted.
Protein change: p.Pro110fs; shifts the reading frame from proline 110.
Molecular consequence: frameshift variant. On other transcripts: non-coding transcript variant (1).
Genome position: GRCh38 VCF-style: chr19-50401789-C-CG. GRCh37 (hg19) VCF-style: chr19-50905046-C-CG.
Other names: c.328_329insG, p.Pro110fs (NM_001256849.1, NM_001308632.1); short protein forms P110fs.
Identifiers: ClinVar variation 1692710 (VCV001692710.1), dbSNP rs2122232113, ClinGen allele CA2573156541.